The following is an entry in ClinVar:

ClinVar aggregate classification (germline): Uncertain significance (1 of 4 stars; one submission).

Conditions:
Brugada syndrome 8 (BRGDA8). Identifiers: Orphanet 130, MedGen C2751083, MONDO:0013148, OMIM 613123.

gnomAD v4.1: 1 of 1,307,642 alleles (0.000076%); highest among the groups gnomAD compares: Non-Finnish European, 0.000099%; no homozygotes.

Submission:

Labcorp Genetics (formerly Invitae), Labcorp
Classification: Uncertain significance for Brugada syndrome 8. Last evaluated: 2025-11-27. Review status: criteria provided, single submitter. Criteria: Invitae Variant Classification Sherloc (09022015). Collection method: clinical testing. Allele origin: germline.
Comment: This sequence change replaces glutamine, which is neutral and polar, with arginine, which is basic and polar, at codon 1064 of the HCN4 protein (p.Gln1064Arg). This variant is not present in population databases (gnomAD no frequency). This variant has not been reported in the literature in individuals affected with HCN4-related conditions. ClinVar contains an entry for this variant (Variation ID: 3608386). Invitae Evidence Modeling of protein sequence and biophysical properties (such as structural, functional, and spatial information, amino acid conservation, physicochemical variation, residue mobility, and thermodynamic stability) indicates that this missense variant is not expected to disrupt HCN4 protein function with a negative predictive value of 95%. In summary, the available evidence is currently insufficient to determine the role of this variant in disease. Therefore, it has been classified as a Variant of Uncertain Significance.

NM_005477.3(HCN4):c.3191A>G (p.Gln1064Arg)

Gene: HCN4 (hyperpolarization activated cyclic nucleotide gated potassium channel 4; minus strand). Cytogenetic location: 15q24.1.
Variant type: single nucleotide variant.
Coding change: c.3191A>G on transcript NM_005477.3 (MANE Select); coding-DNA position 3191, A replaced by G.
Protein change: p.Gln1064Arg; replaces glutamine 1064 with arginine.
Molecular consequence: missense variant.
Genome position (GRCh38, 1-based): chr15:73,322,902, T>C on the plus strand (A>G on the coding strand, the complement: HCN4 is on the minus strand). VCF-style: chr15-73322902-T-C. GRCh37 (hg19) VCF-style: chr15-73615243-T-C.
Other names: short protein forms Q1064R.
Identifiers: ClinVar variation 3608386 (VCV003608386.2).
Genomic context (GRCh38, chr15:73,322,902, plus strand): 5'-TTGAGGTCCTGGGTGAGGCGGCCGGGGGTGAGCGGGGGTGTGCCCCGGCGCTGGGGGACC[T>C]GGGGTGGTGGGGGGCTGGATGCAGGTGGCAGGAGCAAGGATCCGTGGGAGCCAGAGGCCC-3'
Protein context (NP_005468.1, residues 1054-1074): LPPASSPPPP[Gln1064Arg]VPQRRGTPPL